The following is an entry in ClinVar:

ClinVar aggregate classification (germline): Uncertain significance (1 of 4 stars; one submission).

Conditions:
Intellectual developmental disorder 62. Also called: INTELLECTUAL DEVELOPMENTAL DISORDER, AUTOSOMAL DOMINANT 62; MENTAL RETARDATION, AUTOSOMAL DOMINANT 62. Identifiers: MedGen C5394083, MONDO:0032919, OMIM 618793.

Submission:

Institute for Clinical Genetics, University Hospital TU Dresden, University Hospital TU Dresden
Classification: Uncertain significance for Intellectual developmental disorder 62. Last evaluated: 2021-11-30. Review status: criteria provided, single submitter. Criteria: ACMG Guidelines, 2015. Collection method: clinical testing. Allele origin: paternal. Affected: yes.
Comment: PM2_SUP, PP2, BP4

NM_001321075.3(DLG4):c.1141A>G (p.Asn381Asp)

Genes: DLG4 (discs large MAGUK scaffold protein 4; minus strand), LOC126862479 (MED14-independent group 3 enhancer GRCh37_chr17:7099412-7100611; plus strand). Cytogenetic location: 17p13.1.
Variant type: single nucleotide variant.
Coding change: c.1141A>G on transcript NM_001321075.3 (MANE Select); coding-DNA position 1141, A replaced by G.
Protein change: p.Asn381Asp; replaces asparagine 381 with aspartic acid.
Molecular consequence: missense variant. On other transcripts: non-coding transcript variant (1).
Genome position (GRCh38, 1-based): chr17:7,196,518, T>C on the plus strand (A>G on the coding strand, the complement: DLG4 is on the minus strand). VCF-style: chr17-7196518-T-C. GRCh37 (hg19) VCF-style: chr17-7099837-T-C.
Other names: c.1132A>G, p.Asn378Asp (NM_001128827.4); c.1261A>G, p.Asn421Asp (NM_001321074.1); c.961A>G, p.Asn321Asp (NM_001321076.3, NM_001321077.3); c.1270A>G, p.Asn424Asp (NM_001365.5); c.1060A>G, p.Asn354Asp (NM_001369566.3); short protein forms N321D, N354D, N378D, N381D, N421D, N424D.
Identifiers: ClinVar variation 2575985 (VCV002575985.2), dbSNP rs2507942990, ClinGen allele CA397716305.